The following is an entry in ClinVar:

ClinVar aggregate classification (germline): Uncertain significance (1 of 4 stars; one submission).

gnomAD v4.1: 6 of 1,613,972 alleles (0.00037%); highest among the groups gnomAD compares: Admixed American, 0.0017%; no homozygotes.

Submission:

Labcorp Genetics (formerly Invitae), Labcorp
Classification: Uncertain significance. Last evaluated: 2025-08-19. Review status: criteria provided, single submitter. Criteria: Invitae Variant Classification Sherloc (09022015). Collection method: clinical testing. Allele origin: germline.
Comment: This sequence change replaces proline, which is neutral and non-polar, with histidine, which is basic and polar, at codon 1276 of the ERBIN protein (p.Pro1276His). This variant is present in population databases (rs758865287, gnomAD 0.003%). This variant has not been reported in the literature in individuals affected with ERBIN-related conditions. ClinVar contains an entry for this variant (Variation ID: 3604501). An algorithm developed to predict the effect of missense changes on protein structure and function (PolyPhen-2) suggests that this variant is likely to be tolerated. In summary, the available evidence is currently insufficient to determine the role of this variant in disease. Therefore, it has been classified as a Variant of Uncertain Significance.

NM_001253697.2(ERBIN):c.3827C>A (p.Pro1276His)

Gene: ERBIN (erbb2 interacting protein; plus strand). Cytogenetic location: 5q12.3.
Variant type: single nucleotide variant.
Coding change: c.3827C>A on transcript NM_001253697.2 (MANE Select); coding-DNA position 3827, C replaced by A.
Protein change: p.Pro1276His; replaces proline 1276 with histidine.
Molecular consequence: missense variant. On other transcripts: intron variant (1).
Genome position (GRCh38, 1-based): chr5:66,075,094, C>A. VCF-style: chr5-66075094-C-A. GRCh37 (hg19) VCF-style: chr5-65370922-C-A.
Other names: c.3704C>A, p.Pro1235His (NM_001253698.2, NM_018695.4); c.3848C>A, p.Pro1283His (NM_001253699.2); c.3692C>A, p.Pro1231His (NM_001253701.2); c.3634-1222C>A (NM_001006600.3); short protein forms P1231H, P1235H, P1276H, P1283H.
Identifiers: ClinVar variation 3604501 (VCV003604501.2).
Genomic context (GRCh38, chr5:66,075,094, plus strand): 5'-GTAATGGACAGATGGGCCAGCCTCTCAGGCCTCAGGCAAATTATAGTCAAATACATCACC[C>A]CCCTCAGGCATCTGTGGCAAGGCATCCCTCTAGAGAACAACTAATTGATTACTTGATGCT-3'
Protein context (NP_001240626.1, residues 1266-1286): PQANYSQIHH[Pro1276His]PQASVARHPS